The following is an entry in ClinVar:

NM_000492.4(CFTR):c.1758A>G (p.Ile586Met)

Gene: CFTR (CF transmembrane conductance regulator; plus strand). Cytogenetic location: 7q31.2.
Variant type: single nucleotide variant.
Coding change: c.1758A>G on transcript NM_000492.4 (MANE Select); coding-DNA position 1758, A replaced by G.
Protein change: p.Ile586Met; replaces isoleucine 586 with methionine.
Molecular consequence: missense variant.
Genome position (GRCh38, 1-based): chr7:117,590,431, A>G. VCF-style: chr7-117590431-A-G. GRCh37 (hg19) VCF-style: chr7-117230485-A-G.
Other names: short protein forms I586M.
Identifiers: ClinVar variation 4643073 (VCV004643073.1).

ClinVar aggregate classification (germline): Uncertain significance (1 of 4 stars; one submission).

Conditions:
Cystic fibrosis (CF). Also called: MUCOVISCIDOSIS. Identifiers: Orphanet 586, MedGen C0010674, MONDO:0009061, OMIM 219700. Disease mechanism: loss of function.

Submission:

Ambry Genetics
Classification: Uncertain significance for Cystic fibrosis. Last evaluated: 2025-10-16. Review status: criteria provided, single submitter. Criteria: Ambry Variant Classification Scheme 2023. Collection method: clinical testing. Allele origin: germline.
Comment: The p.I586M variant (also known as c.1758A>G), located in coding exon 13 of the CFTR gene, results from an A to G substitution at nucleotide position 1758. The isoleucine at codon 586 is replaced by methionine, an amino acid with highly similar properties. This amino acid position is conserved. In addition, this alteration is predicted to be deleterious by in silico analysis. Based on the available evidence, the clinical significance of this variant remains unclear.